The following is an entry in ClinVar:

NM_001042492.3(NF1):c.1619del (p.Glu540fs)

Gene: NF1 (neurofibromin 1; plus strand). Cytogenetic location: 17q11.2.
Variant type: Deletion.
Coding change: c.1619del on transcript NM_001042492.3 (MANE Select); coding-DNA position 1619, one base deleted (A; older notation c.1619delA).
Protein change: p.Glu540fs; shifts the reading frame from glutamic acid 540.
Molecular consequence: frameshift variant.
Genome position (GRCh38, 1-based): chr17:31,219,096, A deleted. VCF-style (leftmost placement, unchanged base first): chr17-31219095-GA-G. GRCh37 (hg19) VCF-style: chr17-29546113-GA-G.
Other names: c.1619delA (NM_000267.3); c.1619delA, p.Glu540Glyfs (NM_000267.4); c.1619del, p.Glu540fs (NM_001128147.3); short protein forms E540fs.
Identifiers: ClinVar variation 567071 (VCV000567071.5), dbSNP rs1567843934, ClinGen allele CA891844354.

ClinVar aggregate classification (germline): Pathogenic (1 of 4 stars; one submission).

Conditions:
Neurofibromatosis, type 1 (NF1). Also called: VON RECKLINGHAUSEN DISEASE; NEUROFIBROMATOSIS, TYPE I, SOMATIC; Peripheral type neurofibromatosis; Neurofibromatosis, type I. Identifiers: Orphanet 636, MedGen C0027831, MONDO:0018975, OMIM 162200. Disease mechanism: loss of function.

Submission:

Labcorp Genetics (formerly Invitae), Labcorp
Classification: Pathogenic for Neurofibromatosis, type 1. Last evaluated: 2018-05-15. Review status: criteria provided, single submitter. Criteria: Invitae Variant Classification Sherloc (09022015). Collection method: clinical testing. Allele origin: germline.
Comment: For these reasons, this variant has been classified as Pathogenic. Loss-of-function variants in NF1 are known to be pathogenic (PMID: 10712197, 23913538). This variant has not been reported in the literature in individuals with NF1-related disease. This variant is not present in population databases (ExAC no frequency). This sequence change creates a premature translational stop signal (p.Glu540Glyfs*16) in the NF1 gene. It is expected to result in an absent or disrupted protein product.

Literature cited by the submitters: PubMed 10712197; PubMed 23913538.